The following is an entry in ClinVar:

ClinVar aggregate classification (germline): Uncertain significance (1 of 4 stars; one submission).

Conditions:
Polyglandular autoimmune syndrome, type 1 (APS1). Also called: HYPOADRENOCORTICISM WITH HYPOPARATHYROIDISM AND SUPERFICIAL MONILIASIS; Autoimmune polyendocrine syndrome type 1; PGA I; Autoimmune polyendocrinopathy syndrome, type I; Autoimmune polyendocrinopathy syndrome , type I, with or without reversible metaphyseal dysplasia; AUTOIMMUNE POLYENDOCRINE SYNDROME, TYPE I, WITH OR WITHOUT REVERSIBLE METAPHYSEAL DYSPLASIA. Identifiers: Orphanet 3453, MedGen C0085859, MONDO:0009411, OMIM 240300.

Allele frequency attached by ClinVar (database versions not stated): gnomAD exomes below 0.00001.
gnomAD v4.1: 1 of 1,613,000 alleles (0.000062%); highest among the groups gnomAD compares: Non-Finnish European, 0.000085%; no homozygotes.

Submission:

Labcorp Genetics (formerly Invitae), Labcorp
Classification: Uncertain significance for Polyglandular autoimmune syndrome, type 1. Last evaluated: 2023-05-31. Review status: criteria provided, single submitter. Criteria: Invitae Variant Classification Sherloc (09022015). Collection method: clinical testing. Allele origin: germline.
Comment: In summary, the available evidence is currently insufficient to determine the role of this variant in disease. Therefore, it has been classified as a Variant of Uncertain Significance. Advanced modeling of protein sequence and biophysical properties (such as structural, functional, and spatial information, amino acid conservation, physicochemical variation, residue mobility, and thermodynamic stability) performed at Invitae indicates that this missense variant is not expected to disrupt AIRE protein function. This variant has not been reported in the literature in individuals affected with AIRE-related conditions. This variant is not present in population databases (gnomAD no frequency). This sequence change replaces proline, which is neutral and non-polar, with serine, which is neutral and polar, at codon 95 of the AIRE protein (p.Pro95Ser).

NM_000383.4(AIRE):c.283C>T (p.Pro95Ser)

Gene: AIRE (autoimmune regulator; plus strand). Cytogenetic location: 21q22.3.
Variant type: single nucleotide variant.
Coding change: c.283C>T on transcript NM_000383.4 (MANE Select); coding-DNA position 283, C replaced by T.
Protein change: p.Pro95Ser; replaces proline 95 with serine.
Molecular consequence: missense variant.
Genome position (GRCh38, 1-based): chr21:44,286,707, C>T. VCF-style: chr21-44286707-C-T. GRCh37 (hg19) VCF-style: chr21-45706590-C-T.
Other names: short protein forms P95S.
Identifiers: ClinVar variation 2858821 (VCV002858821.3), dbSNP rs2517876459, ClinGen allele CA410423507.
Genomic context (GRCh38, chr21:44,286,707, plus strand): 5'-CTGGACTTCTGGAGGGTGCTGTTCAAGGACTACAACCTGGAGCGCTATGGCCGGCTGCAG[C>T]CCATCCTGGACAGCTTCCCCAAAGGTGGGTCCTGGTGGACTCAGCCATGCTGGGGGCCTG-3'
Protein context (NP_000374.1, residues 85-105): YNLERYGRLQ[Pro95Ser]ILDSFPKDVD